The following is an entry in ClinVar:

ClinVar aggregate classification (germline): Likely benign (1 of 4 stars; one submission).

Allele frequency attached by ClinVar (database versions not stated): 1000 Genomes Project 30x 0.00281; 1000 Genomes Project 0.00300; TOPMed 0.00546; gnomAD 0.00584; ESP Exome Variant Server 0.00607; ExAC 0.00626; gnomAD exomes 0.00811.
gnomAD v4.1: 12,677 of 1,614,150 alleles (0.79%); highest among the groups gnomAD compares: Non-Finnish European, 0.92%; 67 homozygotes.

Submission:

CeGaT Center for Human Genetics Tuebingen
Classification: Likely benign. Last evaluated: 2022-03-01. Review status: criteria provided, single submitter. Criteria: CeGaT Center For Human Genetics Tuebingen Variant Classification Criteria Version 2. Collection method: clinical testing. Allele origin: germline. Affected: yes. Observed: 1 variant allele.
Comment: TMEM220: BP4, BS2

NM_001004313.3(TMEM220):c.193A>G (p.Ile65Val)

Gene: TMEM220 (transmembrane protein 220; minus strand). Cytogenetic location: 17p13.1.
Variant type: single nucleotide variant.
Coding change: c.193A>G on transcript NM_001004313.3 (MANE Select); coding-DNA position 193, A replaced by G.
Protein change: p.Ile65Val; replaces isoleucine 65 with valine.
Molecular consequence: missense variant.
Genome position (GRCh38, 1-based): chr17:10,725,105, T>C on the plus strand (A>G on the coding strand, the complement: TMEM220 is on the minus strand). VCF-style: chr17-10725105-T-C. GRCh37 (hg19) VCF-style: chr17-10628422-T-C.
Other names: c.163A>G, p.Ile55Val (NM_001330139.3, NM_001330140.3, NM_001359647.2); short protein forms I55V, I65V.
Identifiers: ClinVar variation 2647484 (VCV002647484.24), dbSNP rs148509041, ClinGen allele CA8394068.
Genomic context (GRCh38, chr17:10,725,105, plus strand): 5'-TACGATGCAAGAGGTAGGACGCCAAGCCAACAGCCCACACCGTACAAAAGAGTATGTGTA[T>C]TGCAGAGATACTTTTCCAAATAACATTACCTAAAAATAGATGTTCTGATGTTGTTAACCA-3'
Protein context (NP_001004313.1, residues 55-75): GNVIWKSISA[Ile65Val]HILFCTVWAV